The following is an entry in ClinVar:

NM_000368.5(TSC1):c.1262A>T (p.Lys421Met)

Gene: TSC1 (TSC complex subunit 1; minus strand). Cytogenetic location: 9q34.13.
Variant type: single nucleotide variant.
Coding change: c.1262A>T on transcript NM_000368.5 (MANE Select); coding-DNA position 1262, A replaced by T.
Protein change: p.Lys421Met; replaces lysine 421 with methionine.
Molecular consequence: missense variant. On other transcripts: non-coding transcript variant (5).
Genome position (GRCh38, 1-based): chr9:132,910,572, T>A on the plus strand (A>T on the coding strand, the complement: TSC1 is on the minus strand). VCF-style: chr9-132910572-T-A. GRCh37 (hg19) VCF-style: chr9-135785959-T-A.
Other names: c.1106A>T, p.Lys369Met (NM_001406613.1, NM_001406611.1, NM_001406612.1); c.899A>T, p.Lys300Met (NM_001406614.1, NM_001406615.1, NM_001406616.1 and 5 more transcripts); c.896A>T, p.Lys299Met (NM_001406620.1, NM_001406621.1, NM_001406622.1 and 2 more transcripts); c.311A>T, p.Lys104Met (NM_001406626.1); c.308A>T, p.Lys103Met (NM_001406627.1, NM_001406628.1); c.209A>T, p.Lys70Met (NM_001406629.1, NM_001406630.1); c.1262A>T, p.Lys421Met (NM_001406606.1, NM_001406607.1, NM_001406592.1 and 7 more transcripts); c.1259A>T, p.Lys420Met (NM_001406608.1, NM_001406609.1, NM_001162426.2 and 6 more transcripts); and 1 more; short protein forms K369M, K103M, K300M, K420M, K370M, K421M, K70M, K104M.
Identifiers: ClinVar variation 4709625 (VCV004709625.1).

ClinVar aggregate classification (germline): Uncertain significance (1 of 4 stars; one submission).

Conditions:
Tuberous sclerosis 1 (TSC1). Identifiers: Orphanet 805, MedGen C1854465, MONDO:0008612, OMIM 191100.

Submission:

Labcorp Genetics (formerly Invitae), Labcorp
Classification: Uncertain significance for Tuberous sclerosis 1. Last evaluated: 2025-09-21. Review status: criteria provided, single submitter. Criteria: Invitae Variant Classification Sherloc (09022015). Collection method: clinical testing. Allele origin: germline.
Comment: This sequence change replaces lysine, which is basic and polar, with methionine, which is neutral and non-polar, at codon 421 of the TSC1 protein (p.Lys421Met). This variant is not present in population databases (gnomAD no frequency). This variant has not been reported in the literature in individuals affected with TSC1-related conditions. Invitae Evidence Modeling of protein sequence and biophysical properties (such as structural, functional, and spatial information, amino acid conservation, physicochemical variation, residue mobility, and thermodynamic stability) indicates that this missense variant is not expected to disrupt TSC1 protein function with a negative predictive value of 95%. Algorithms developed to predict the effect of sequence changes on RNA splicing suggest that this variant may disrupt the consensus splice site. In summary, the available evidence is currently insufficient to determine the role of this variant in disease. Therefore, it has been classified as a Variant of Uncertain Significance.